The following is an entry in ClinVar:

NM_001244008.2(KIF1A):c.4202C>T (p.Ala1401Val)

Gene: KIF1A (kinesin family member 1A; minus strand). Cytogenetic location: 2q37.3.
Variant type: single nucleotide variant.
Coding change: c.4202C>T on transcript NM_001244008.2 (MANE Select); coding-DNA position 4202, C replaced by T.
Protein change: p.Ala1401Val; replaces alanine 1401 with valine.
Molecular consequence: missense variant.
Genome position (GRCh38, 1-based): chr2:240,725,325, G>A on the plus strand (C>T on the coding strand, the complement: KIF1A is on the minus strand). VCF-style: chr2-240725325-G-A. GRCh37 (hg19) VCF-style: chr2-241664742-G-A.
Other names: c.3926C>T, p.Ala1309Val (NM_001320705.2, NM_001379649.1); c.3953C>T, p.Ala1318Val (NM_001330289.2); c.4001C>T, p.Ala1334Val (NM_001330290.2, NM_001379648.1); c.4277C>T, p.Ala1426Val (NM_001379631.1); c.4178C>T, p.Ala1393Val (NM_001379632.1); c.4175C>T, p.Ala1392Val (NM_001379633.1, NM_001379645.1); c.4028C>T, p.Ala1343Val (NM_001379634.1); c.4025C>T, p.Ala1342Val (NM_001379635.1, NM_001379646.1); and 7 more; short protein forms A1300V, A1317V, A1318V, A1325V, A1334V, A1342V, A1299V, A1392V.
Identifiers: ClinVar variation 936446 (VCV000936446.10), dbSNP rs1366608570, ClinGen allele CA351307160.

ClinVar aggregate classification (germline): Uncertain significance (1 of 4 stars; one submission).

Conditions:
Neuropathy, hereditary sensory, type 2C. Also called: KIF1A-Related HSAN2 (HSAN2C); Hereditary sensory and autonomic neuropathy type IIC. Identifiers: Orphanet 970, MedGen C3280168, MONDO:0013634, OMIM 614213.
Intellectual disability, autosomal dominant 9 (NESCAVS). Also called: NESCAV SYNDROME; KIF1A-Related Neurodevelopmental Disorder. Identifiers: Orphanet 662367, MedGen C5393830, MONDO:0013656, OMIM 614255.
Hereditary spastic paraplegia 30. Identifiers: Orphanet 101010, MedGen C5235139, MONDO:0012476.

Submission:

Labcorp Genetics (formerly Invitae), Labcorp
Classification: Uncertain significance for Hereditary spastic paraplegia 30; Neuropathy, hereditary sensory, type 2C; Intellectual disability, autosomal dominant 9. Last evaluated: 2025-12-13. Review status: criteria provided, single submitter. Criteria: Invitae Variant Classification Sherloc (09022015). Collection method: clinical testing. Allele origin: germline.
Comment: This sequence change replaces alanine, which is neutral and non-polar, with valine, which is neutral and non-polar, at codon 1300 of the KIF1A protein (p.Ala1300Val). This variant is not present in population databases (gnomAD no frequency). This missense change has been observed in individual(s) with clinical features of hereditary spastic paraplegia (internal data). ClinVar contains an entry for this variant (Variation ID: 936446). Invitae Evidence Modeling of protein sequence and biophysical properties (such as structural, functional, and spatial information, amino acid conservation, physicochemical variation, residue mobility, and thermodynamic stability) indicates that this missense variant is not expected to disrupt KIF1A protein function with a negative predictive value of 95%. In summary, the available evidence is currently insufficient to determine the role of this variant in disease. Therefore, it has been classified as a Variant of Uncertain Significance.